The following is an entry in ClinVar:

ClinVar aggregate classification (germline): Uncertain significance. Review status: criteria provided, multiple submitters, no conflicts (2 of 4 stars). 4 submissions from 4 submitters: Uncertain significance (3). 1 of the submissions does not count toward it. Last evaluated 2021-08-13.

Conditions:
Aicardi Goutieres syndrome (AGS). Also called: Encephalopathy, familial infantile, with calcification of basal ganglia and chronic cerebrospinal fluid lymphocytosis. Identifiers: Orphanet 51, MedGen C0393591, MONDO:0018866.
Aicardi-Goutieres syndrome 5. Identifiers: Orphanet 51, MedGen C2749659, MONDO:0013059, OMIM 612952.

Allele frequency attached by ClinVar (database versions not stated): gnomAD exomes below 0.00001; gnomAD 0.00001.
gnomAD v4.1: 16 of 1,614,130 alleles (0.00099%); highest among the groups gnomAD compares: South Asian, 0.0055%; no homozygotes.

Submissions (4):

Labcorp Genetics (formerly Invitae), Labcorp
Classification: Uncertain significance for Aicardi-Goutieres syndrome 5. Last evaluated: 2021-08-13. Review status: criteria provided, single submitter. Criteria: Invitae Variant Classification Sherloc (09022015). Collection method: clinical testing. Allele origin: germline.
Comment: This sequence change replaces tyrosine with cysteine at codon 155 of the SAMHD1 protein (p.Tyr155Cys). The tyrosine residue is weakly conserved and there is a large physicochemical difference between tyrosine and cysteine. This variant is not present in population databases (ExAC no frequency). This variant has not been reported in the literature in individuals affected with SAMHD1-related conditions. ClinVar contains an entry for this variant (Variation ID: 451011). Algorithms developed to predict the effect of missense changes on protein structure and function are either unavailable or do not agree on the potential impact of this missense change (SIFT: "Tolerated"; PolyPhen-2: "Probably Damaging"; Align-GVGD: "Class C0"). In summary, the available evidence is currently insufficient to determine the role of this variant in disease. Therefore, it has been classified as a Variant of Uncertain Significance.

Blueprint Genetics
Classification: Uncertain significance. Last evaluated: 2020-02-14. Review status: criteria provided, single submitter. Criteria: ACMG Guidelines, 2015. Collection method: clinical testing. Allele origin: germline.

GeneDx
Classification: Uncertain significance. Last evaluated: 2017-08-07. Review status: criteria provided, single submitter. Criteria: GeneDx Variant Classification (06012015). Collection method: clinical testing. Allele origin: germline. Affected: yes.
Comment: The Y155C variant in the SAMHD1 gene has not been reported previously in association with Aicardi-GoutiÃ¨res syndrome type 5. The Y155C variant is not observed in large population cohorts (Lek et al., 2016; 1000 Genomes Consortium et al., 2015; Exome Variant Server). The Y155C variant is a non-conservative amino acid substitution, which is likely to impact secondary protein structure as these residues differ in polarity, charge, size and/or other properties. This substitution occurs at a position that is conserved in mammals. In silico analysis predicts this variant is probably damaging to the protein structure/function. We interpret Y155C as a variant of uncertain significance.

Natera, Inc.
Classification: Uncertain significance for Aicardi-Goutieres syndrome. Last evaluated: 2021-08-04. Review status: no assertion criteria provided. Collection method: clinical testing. Allele origin: germline. Not counted in ClinVar's aggregate classification.

NM_015474.4(SAMHD1):c.464A>G (p.Tyr155Cys)

Gene: SAMHD1 (SAM and HD domain containing deoxynucleoside triphosphate triphosphohydrolase 1; minus strand). Cytogenetic location: 20q11.23.
Variant type: single nucleotide variant.
Coding change: c.464A>G on transcript NM_015474.4 (MANE Select); coding-DNA position 464, A replaced by G.
Protein change: p.Tyr155Cys; replaces tyrosine 155 with cysteine.
Molecular consequence: missense variant.
Genome position (GRCh38, 1-based): chr20:36,935,074, T>C on the plus strand (A>G on the coding strand, the complement: SAMHD1 is on the minus strand). VCF-style: chr20-36935074-T-C. GRCh37 (hg19) VCF-style: chr20-35563477-T-C.
Other names: c.464A>G, p.Tyr155Cys (NM_001363729.2, NM_001363733.2); short protein forms Y155C.
Identifiers: ClinVar variation 451011 (VCV000451011.9), dbSNP rs1306109528, ClinGen allele CA408822971.